The following is an entry in ClinVar:

ClinVar aggregate classification (germline): Likely benign (1 of 4 stars; one submission).

Conditions:
Fabry disease. Also called: ALPHA-GALACTOSIDASE A DEFICIENCY; ANDERSON-FABRY DISEASE; CERAMIDE TRIHEXOSIDASE DEFICIENCY; GLA DEFICIENCY; HEREDITARY DYSTOPIC LIPIDOSIS; Angiokeratoma corporis diffusum. Identifiers: Orphanet 324, MedGen C0002986, MONDO:0010526, OMIM 301500, HP:0001071. Disease mechanism: Fabry disease is due to inactivating mutations in the X-linked GLA gene resulting in deficiency of the enzyme Alpha Galactosidase-A., loss of function.

Submission:

Genomenon, Inc
Classification: Likely benign for Fabry disease. Last evaluated: 2026-09-08. Review status: criteria provided, single submitter. Criteria: Genomenon Sequence Variant Interpretation Standards - Updated. Collection method: curation. Allele origin: germline. Affected: no.
Comment: GLA c.1000-25_1000-24del is a deletion variant located in intron 6. This variant has been reported in the published literature (PMID:33073010). It is absent or not present at a significant frequency in gnomAD. This variant is not predicted to impact splicing. In conclusion, we classify GLA c.1000-25_1000-24del as a likely benign variant.

Literature cited by the submitters: PubMed 33073010.

NM_000169.3(GLA):c.1000-25_1000-24del

Genes: GLA (galactosidase alpha; minus strand), RPL36A-HNRNPH2 (RPL36A-HNRNPH2 readthrough; plus strand). Cytogenetic location: Xq22.1.
Variant type: Deletion.
Coding change: c.1000-25_1000-24del on transcript NM_000169.3 (MANE Select); 25 bases into the intron before coding-DNA position 1000 through 24 bases into the intron before coding-DNA position 1000, 2 bases deleted (CA; older notation c.1000-25_1000-24delCA).
Molecular consequence: intron variant.
Genome position (GRCh38, 1-based): chrX:101,398,123-101,398,124, TG deleted on the plus strand (CA on the coding strand, the reverse complement: GLA is on the minus strand). VCF-style (leftmost placement, unchanged base first): chrX-101398122-TTG-T. GRCh37 (hg19) VCF-style: chrX-100653110-TTG-T.
Other names: c.300+2666_300+2667del (NM_001199973.2); c.177+6301_177+6302del (NM_001199974.2); c.1123-25_1123-24del (NM_001406747.1).
Identifiers: ClinVar variation 4087133 (VCV004087133.2).